The following is an entry in ClinVar:

NM_005787.6(ALG3):c.214_218del (p.Lys72fs)

Gene: ALG3 (ALG3 alpha-1,3- mannosyltransferase; minus strand). Cytogenetic location: 3q27.1.
Variant type: Deletion.
Coding change: c.214_218del on transcript NM_005787.6 (MANE Select); coding-DNA positions 214 to 218, 5 bases deleted (AAGGC; older notation c.214_218delAAGGC).
Protein change: p.Lys72fs; shifts the reading frame from lysine 72.
Molecular consequence: frameshift variant. On other transcripts: non-coding transcript variant (1).
Genome position (GRCh38, 1-based): chr3:184,245,791-184,245,795, GCCTT deleted on the plus strand (AAGGC on the coding strand, the reverse complement: ALG3 is on the minus strand). VCF-style (leftmost placement, unchanged base first): chr3-184245790-GGCCTT-G. GRCh37 (hg19) VCF-style: chr3-183963578-GGCCTT-G.
Other names: c.70_74del, p.Lys24fs (NM_001006941.2); short protein forms K24fs, K72fs.
Identifiers: ClinVar variation 4850628 (VCV004850628.1).

ClinVar aggregate classification (germline): Likely pathogenic (1 of 4 stars; one submission).

Conditions:
ALG3-congenital disorder of glycosylation. Also called: CONGENITAL DISORDER OF GLYCOSYLATION, TYPE Id; CDG Id; CARBOHYDRATE-DEFICIENT GLYCOPROTEIN SYNDROME, TYPE IV; CDGS, TYPE IV; ALG3-CDG. Identifiers: Orphanet 79321, MedGen C1832736, MONDO:0010998, OMIM 601110.

Submission:

First Genomix Gene Laboratory, Genetic Diagnostics Department
Classification: Likely pathogenic for ALG3-congenital disorder of glycosylation. Last evaluated: 2025-12-31. Review status: criteria provided, single submitter. Criteria: ACMG Guidelines, 2015. Collection method: clinical testing. Allele origin: germline. Inheritance: Autosomal recessive inheritance. Affected: no. Observed: 1 variant allele.